The following is an entry in ClinVar:

ClinVar aggregate classification (germline): Uncertain significance (1 of 4 stars; one submission).

Allele frequency attached by ClinVar (database versions not stated): gnomAD 0.00001.
gnomAD v4.1: 1 of 1,613,742 alleles (0.000062%); highest among the groups gnomAD compares: East Asian, 0.0022%; no homozygotes.

Submission:

GeneDx
Classification: Uncertain significance. Last evaluated: 2015-03-11. Review status: criteria provided, single submitter. Criteria: GeneDx Variant Classification (06012015). Collection method: clinical testing. Allele origin: germline. Affected: yes.
Comment: A variant of unknown significance has been identified in the UBE3A gene. The R800S variant has not been published as a pathogenic variant, nor has it been reported as a benign polymorphism to our knowledge. It was not observed in approximately 6500 individuals of European and African American ancestry in the NHLBI Exome Sequencing Project, indicating it is not a common benign variant in these populations. The R800S variant is a semi-conservative amino acid substitution, which may impact secondary protein structure as these residues differ in some properties. This substitution occurs at a conserved position in the HECT domain. In silico analysis is inconsistent in its predictions as to whether or not the variant is damaging to the protein structure/function.Therefore, based on the currently available information, it is unclear whether this variant is a pathogenic variant or a rare benign variant.

NM_130839.5(UBE3A):c.2400A>T (p.Arg800Ser)

Genes: SNHG14 (small nucleolar RNA host gene 14; plus strand), UBE3A (ubiquitin protein ligase E3A; minus strand). Cytogenetic location: 15q11.2.
Variant type: single nucleotide variant.
Coding change: c.2400A>T on transcript NM_130839.5 (MANE Select); coding-DNA position 2400, A replaced by T.
Protein change: p.Arg800Ser; replaces arginine 800 with serine.
Molecular consequence: missense variant. On other transcripts: non-coding transcript variant (1).
Genome position (GRCh38, 1-based): chr15:25,340,183, T>A on the plus strand (A>T on the coding strand, the complement: UBE3A is on the minus strand). VCF-style: chr15-25340183-T-A. GRCh37 (hg19) VCF-style: chr15-25585330-T-A.
Other names: c.2409A>T, p.Arg803Ser (NM_000462.5); c.2400A>T, p.Arg800Ser (NM_001354505.1, NM_001354538.2); c.2340A>T, p.Arg780Ser (NM_001354506.2, NM_001354507.2, NM_001354508.2 and 14 more transcripts); c.2244A>T, p.Arg748Ser (NM_001354545.2); c.2223A>T, p.Arg741Ser (NM_001354546.2); c.2184A>T, p.Arg728Ser (NM_001354547.2, NM_001354548.2); c.2175A>T, p.Arg725Ser (NM_001354549.2); c.1149A>T, p.Arg383Ser (NM_001354550.2); and 1 more; short protein forms R780S, R363S, R725S, R741S, R748S, R803S, R800S, R383S.
Identifiers: ClinVar variation 449168 (VCV000449168.2), dbSNP rs1446392769, ClinGen allele CA391351165.